The following is an entry in ClinVar:

NM_000038.6(APC):c.6393T>G (p.Asp2131Glu)

Gene: APC (APC regulator of Wnt signaling pathway; plus strand). Cytogenetic location: 5q22.2.
Variant type: single nucleotide variant.
Coding change: c.6393T>G on transcript NM_000038.6 (MANE Select); coding-DNA position 6393, T replaced by G.
Protein change: p.Asp2131Glu; replaces aspartic acid 2131 with glutamic acid.
Molecular consequence: missense variant. On other transcripts: non-coding transcript variant (2).
Genome position (GRCh38, 1-based): chr5:112,841,987, T>G. VCF-style: chr5-112841987-T-G. GRCh37 (hg19) VCF-style: chr5-112177684-T-G.
Other names: c.6216T>G, p.Asp2072Glu (NM_001354901.2, NM_001407453.1); c.6120T>G, p.Asp2040Glu (NM_001354902.2); c.6090T>G, p.Asp2030Glu (NM_001354903.2, NM_001407458.1, NM_001407459.1 and 1 more transcripts); c.6015T>G, p.Asp2005Glu (NM_001354904.2); c.5913T>G, p.Asp1971Glu (NM_001354905.2); c.5544T>G, p.Asp1848Glu (NM_001354906.2, NM_001407470.1); c.6477T>G, p.Asp2159Glu (NM_001407446.1); c.6447T>G, p.Asp2149Glu (NM_001407447.1, NM_001407448.1, NM_001407449.1 and 1 more transcripts); and 11 more; short protein forms D1848E, D2002E, D2103E, D2124E, D1971E, D2030E, D2040E, D2072E.
Identifiers: ClinVar variation 3630117 (VCV003630117.2).
Genomic context (GRCh38, chr5:112,841,987, plus strand): 5'-AGTAAGTAGTTTACATCAAGCTGCTGCTGCTGCATGTTTATCTAGACAAGCTTCGTCTGA[T>G]TCAGATTCCATCCTTTCCCTGAAATCAGGAATCTCTCTGGGATCACCATTTCATCTTACA-3'
Protein context (NP_000029.2, residues 2121-2141): AACLSRQASS[Asp2131Glu]SDSILSLKSG

ClinVar aggregate classification (germline): Uncertain significance (1 of 4 stars; one submission).

Conditions:
Familial adenomatous polyposis 1 (FAP1). Also called: FAMILIAL ADENOMATOUS POLYPOSIS 1, ATTENUATED; POLYPOSIS, ADENOMATOUS INTESTINAL. Identifiers: MedGen C2713442, MONDO:0021056, OMIM 175100. Disease mechanism: loss of function.

Submission:

Labcorp Genetics (formerly Invitae), Labcorp
Classification: Uncertain significance for Familial adenomatous polyposis 1. Last evaluated: 2024-11-11. Review status: criteria provided, single submitter. Criteria: Invitae Variant Classification Sherloc (09022015). Collection method: clinical testing. Allele origin: germline.
Comment: This sequence change replaces aspartic acid, which is acidic and polar, with glutamic acid, which is acidic and polar, at codon 2131 of the APC protein (p.Asp2131Glu). This variant is not present in population databases (gnomAD no frequency). This variant has not been reported in the literature in individuals affected with APC-related conditions. Invitae Evidence Modeling of protein sequence and biophysical properties (such as structural, functional, and spatial information, amino acid conservation, physicochemical variation, residue mobility, and thermodynamic stability) indicates that this missense variant is not expected to disrupt APC protein function with a negative predictive value of 95%. In summary, the available evidence is currently insufficient to determine the role of this variant in disease. Therefore, it has been classified as a Variant of Uncertain Significance.